The following is an entry in ClinVar:

ClinVar aggregate classification (germline): Benign/Likely benign. Review status: criteria provided, multiple submitters, no conflicts (2 of 4 stars). 3 submissions from 3 submitters: Benign (1); Likely benign (2). Last evaluated 2025-12-29.

Allele frequency attached by ClinVar (database versions not stated): 1000 Genomes Project 30x 0.00016; 1000 Genomes Project 0.00020; ESP Exome Variant Server 0.00031; TOPMed 0.00034; gnomAD exomes 0.00051 and 0.00105; gnomAD 0.00090 and 0.00095; ExAC 0.00094.
gnomAD v4.1: 875 of 1,595,304 alleles (0.055%); highest among the groups gnomAD compares: Non-Finnish European, 0.039%; 1 homozygote.

Submissions (3):

Labcorp Genetics (formerly Invitae), Labcorp
Classification: Benign. Last evaluated: 2025-12-29. Review status: criteria provided, single submitter. Criteria: Invitae Variant Classification Sherloc (09022015). Collection method: clinical testing. Allele origin: germline.

Blueprint Genetics
Classification: Likely benign. Last evaluated: 2024-10-28. Review status: criteria provided, single submitter. Criteria: ACMG Guidelines, 2015. Collection method: clinical testing. Allele origin: germline.

CeGaT Center for Human Genetics Tuebingen
Classification: Likely benign. Last evaluated: 2023-03-01. Review status: criteria provided, single submitter. Criteria: CeGaT Center For Human Genetics Tuebingen Variant Classification Criteria Version 2. Collection method: clinical testing. Allele origin: germline. Affected: yes. Observed: 2 variant alleles.
Comment: SNX14: BP4, BS2

NM_153816.6(SNX14):c.867+6A>C

Gene: SNX14 (sorting nexin 14; minus strand). Cytogenetic location: 6q14.3.
Variant type: single nucleotide variant.
Coding change: c.867+6A>C on transcript NM_153816.6 (MANE Select); 6 bases into the intron after coding-DNA position 867, A replaced by C.
Molecular consequence: intron variant.
Genome position (GRCh38, 1-based): chr6:85,548,295, T>G on the plus strand (A>C on the coding strand, the complement: SNX14 is on the minus strand). VCF-style: chr6-85548295-T-G. GRCh37 (hg19) VCF-style: chr6-86258013-T-G.
Other names: c.576+6A>C (NM_001350543.2); c.708+6A>C (NM_001350539.2); c.579+6A>C (NM_001350542.2); c.423+6A>C (NM_001350546.2, NM_001350545.2); c.-184+6A>C (NM_001350547.2); c.567+6A>C (NM_001350544.2); c.-285+6A>C (NM_001350553.2, NM_001350549.2, NM_001350548.2 and 2 more transcripts); c.711+6A>C (NM_001304479.2); and 7 more.
Identifiers: ClinVar variation 760698 (VCV000760698.50), dbSNP rs202176779, ClinGen allele CA3912316.